The following is an entry in ClinVar:

ClinVar aggregate classification (germline): Uncertain significance (1 of 4 stars; one submission).

Conditions:
GHR-related disorder. Also called: GHR-related condition.

Submission:

PreventionGenetics, part of Exact Sciences
Classification: Uncertain significance for GHR-related condition. Last evaluated: 2025-12-15. Review status: criteria provided, single submitter. Criteria: ACMG Guidelines, 2015. Collection method: clinical testing. Allele origin: germline.
Comment: The GHR c.1304C>T variant is predicted to result in the amino acid substitution p.Pro435Leu. To our knowledge, this variant has not been reported in the literature or in a large population database (gnomAD), indicating this variant is rare. At this time, the clinical significance of this variant is uncertain due to the absence of conclusive functional and genetic evidence.

NM_000163.5(GHR):c.1304C>T (p.Pro435Leu)

Gene: GHR (growth hormone receptor; plus strand). Cytogenetic location: 5p12.
Variant type: single nucleotide variant.
Coding change: c.1304C>T on transcript NM_000163.5 (MANE Select); coding-DNA position 1304, C replaced by T.
Protein change: p.Pro435Leu; replaces proline 435 with leucine.
Molecular consequence: missense variant. On other transcripts: 3 prime UTR variant (1).
Genome position (GRCh38, 1-based): chr5:42,718,811, C>T. VCF-style: chr5-42718811-C-T. GRCh37 (hg19) VCF-style: chr5-42718913-C-T.
Other names: c.1325C>T, p.Pro442Leu (NM_001242399.2); c.1304C>T, p.Pro435Leu (NM_001242400.2, NM_001242401.4, NM_001242402.2 and 4 more transcripts); c.1238C>T, p.Pro413Leu (NM_001242460.2); c.*346C>T (NM_001242462.1); short protein forms P413L, P442L, P435L.
Identifiers: ClinVar variation 4982817 (VCV004982817.1).
Genomic context (GRCh38, chr5:42,718,811, plus strand): 5'-AGAGGTTAAAAGGGGAAGCAGATCTCTTATGCCTTGACCAGAAGAATCAAAATAACTCAC[C>T]TTATCATGATGCTTGCCCTGCTACTCAGCAGCCCAGTGTTATCCAAGCAGAGAAAAACAA-3'
Protein context (NP_000154.1, residues 425-445): CLDQKNQNNS[Pro435Leu]YHDACPATQQ